The following is an entry in ClinVar:

ClinVar aggregate classification (germline): Likely benign. Review status: criteria provided, multiple submitters, no conflicts (2 of 4 stars). 2 submissions from 2 submitters: Likely benign (2). Last evaluated 2025-01-27.

Conditions:
WDR35-related disorder. Also called: WDR35-related disorders; WDR35-related condition. Identifiers: MedGen CN239419.
Short-rib thoracic dysplasia 7 with or without polydactyly (SRTD7). Also called: Short rib polydactyly syndrome 5; SHORT-RIB THORACIC DYSPLASIA 7 WITH POLYDACTYLY. Identifiers: Orphanet 498497, Orphanet 93271, MedGen C3279792, MONDO:0013569, OMIM 614091.
Cranioectodermal dysplasia 2 (CED2). Identifiers: Orphanet 1515, MedGen C3150874, MONDO:0013323, OMIM 613610.

Allele frequency attached by ClinVar (database versions not stated): gnomAD 0.00001; TOPMed 0.00002.
gnomAD v4.1: 53 of 1,613,832 alleles (0.0033%); highest among the groups gnomAD compares: Non-Finnish European, 0.0045%; no homozygotes.

Submissions (2):

PreventionGenetics, part of Exact Sciences
Classification: Likely benign for WDR35-related condition. Last evaluated: 2025-01-27. Review status: criteria provided, single submitter. Criteria: ACMG Guidelines, 2015. Collection method: clinical testing. Allele origin: germline.
Comment: This variant is classified as likely benign based on ACMG/AMP sequence variant interpretation guidelines (Richards et al. 2015 PMID: 25741868, with internal and published modifications).

Labcorp Genetics (formerly Invitae), Labcorp
Classification: Likely benign for Cranioectodermal dysplasia 2; Short-rib thoracic dysplasia 7 with or without polydactyly. Last evaluated: 2023-07-10. Review status: criteria provided, single submitter. Criteria: Invitae Variant Classification Sherloc (09022015). Collection method: clinical testing. Allele origin: germline.

NM_020779.4(WDR35):c.24+9C>T

Gene: WDR35 (WD repeat domain 35; minus strand). Cytogenetic location: 2p24.1.
Variant type: single nucleotide variant.
Coding change: c.24+9C>T on transcript NM_020779.4 (MANE Select); 9 bases into the intron after coding-DNA position 24, C replaced by T.
Molecular consequence: intron variant.
Genome position (GRCh38, 1-based): chr2:19,989,983, G>A on the plus strand (C>T on the coding strand, the complement: WDR35 is on the minus strand). VCF-style: chr2-19989983-G-A. GRCh37 (hg19) VCF-style: chr2-20189744-G-A.
Other names: c.24+9C>T (NM_001006657.1, NM_001006657.2).
Identifiers: ClinVar variation 1658685 (VCV001658685.9), dbSNP rs754703472, ClinGen allele CA530995479.